The following is an entry in ClinVar:

ClinVar aggregate classification (germline): Uncertain significance (1 of 4 stars; one submission).

Conditions:
Fanconi anemia (FA). Also called: Fanconi's anemia. Identifiers: Orphanet 84, MedGen C0015625, MeSH D005199, MONDO:0019391.

Submission:

Labcorp Genetics (formerly Invitae), Labcorp
Classification: Uncertain significance for Fanconi anemia. Last evaluated: 2023-08-08. Review status: criteria provided, single submitter. Criteria: Invitae Variant Classification Sherloc (09022015). Collection method: clinical testing. Allele origin: germline.
Comment: This sequence change replaces alanine, which is neutral and non-polar, with threonine, which is neutral and polar, at codon 466 of the FANCM protein (p.Ala466Thr). This variant also falls at the last nucleotide of exon 8, which is part of the consensus splice site for this exon. This variant is not present in population databases (gnomAD no frequency). In summary, the available evidence is currently insufficient to determine the role of this variant in disease. Therefore, it has been classified as a Variant of Uncertain Significance. Variants that disrupt the consensus splice site are a relatively common cause of aberrant splicing (PMID: 17576681, 9536098). Algorithms developed to predict the effect of sequence changes on RNA splicing suggest that this variant may disrupt the consensus splice site. Algorithms developed to predict the effect of missense changes on protein structure and function output the following: SIFT: "Not Available"; PolyPhen-2: "Benign"; Align-GVGD: "Not Available". The threonine amino acid residue is found in multiple mammalian species, which suggests that this missense change does not adversely affect protein function. This variant has not been reported in the literature in individuals affected with FANCM-related conditions.

Literature cited by the submitters: PubMed 17576681; PubMed 9536098.

NM_020937.4(FANCM):c.1396G>A (p.Ala466Thr)

Gene: FANCM (FA complementation group M; plus strand). Cytogenetic location: 14q21.2.
Variant type: single nucleotide variant.
Coding change: c.1396G>A on transcript NM_020937.4 (MANE Select); coding-DNA position 1396, G replaced by A.
Protein change: p.Ala466Thr; replaces alanine 466 with threonine.
Molecular consequence: missense variant.
Genome position (GRCh38, 1-based): chr14:45,155,459, G>A. VCF-style: chr14-45155459-G-A. GRCh37 (hg19) VCF-style: chr14-45624662-G-A.
Other names: c.1318G>A, p.Ala440Thr (NM_001308133.2); c.1396G>A, p.Ala466Thr (NM_001308134.2); short protein forms A466T, A440T.
Identifiers: ClinVar variation 2750332 (VCV002750332.3), dbSNP rs2503110393, ClinGen allele CA389592342.
Genomic context (GRCh38, chr14:45,155,459, plus strand): 5'-AGTCATCCAAAGTTAAAGAAATTAGAAGAAGTTGTAATTGAACACTTCAAGTCATGGAAT[G>A]GTAGGTCATATTTAGTAGCTTTAAGGCAAGACAAAGTTATTGCAAGAGGTAAAACTTTAC-3'
Protein context (NP_065988.1, residues 456-476): VVIEHFKSWN[Ala466Thr]ENTTEKKRDE